The following is an entry in ClinVar:

NM_001379291.1(BRD4):c.2143G>A (p.Glu715Lys)

Gene: BRD4 (bromodomain containing 4; minus strand). Cytogenetic location: 19p13.12.
Variant type: single nucleotide variant.
Coding change: c.2143G>A on transcript NM_001379291.1 (MANE Select); coding-DNA position 2143, G replaced by A.
Protein change: p.Glu715Lys; replaces glutamic acid 715 with lysine.
Molecular consequence: missense variant.
Genome position (GRCh38, 1-based): chr19:15,254,167, C>T on the plus strand (G>A on the coding strand, the complement: BRD4 is on the minus strand). VCF-style: chr19-15254167-C-T. GRCh37 (hg19) VCF-style: chr19-15364978-C-T.
Other names: c.2143G>A (NM_058243.2); c.2143G>A, p.Glu715Lys (NM_001330384.2, NM_001379292.1, NM_014299.3 and 1 more transcripts); short protein forms E715K.
Identifiers: ClinVar variation 2875810 (VCV002875810.4), dbSNP rs770042423, ClinGen allele CA9265198.

ClinVar aggregate classification (germline): Uncertain significance. Review status: criteria provided, multiple submitters, no conflicts (2 of 4 stars). 2 submissions from 2 submitters: Uncertain significance (2). Last evaluated 2025-06-06.

Conditions:
Inborn genetic diseases. Identifiers: MedGen C0950123, MeSH D030342.

Allele frequency attached by ClinVar (database versions not stated): gnomAD exomes below 0.00001; ExAC 0.00001.
gnomAD v4.1: 3 of 1,614,128 alleles (0.00019%); highest among the groups gnomAD compares: Non-Finnish European, 0.00025%; no homozygotes.

Submissions (2):

Ambry Genetics
Classification: Uncertain significance for Inborn genetic diseases. Last evaluated: 2025-06-06. Review status: criteria provided, single submitter. Criteria: Ambry Variant Classification Scheme 2023. Collection method: clinical testing. Allele origin: germline.

Labcorp Genetics (formerly Invitae), Labcorp
Classification: Uncertain significance. Last evaluated: 2023-04-20. Review status: criteria provided, single submitter. Criteria: Invitae Variant Classification Sherloc (09022015). Collection method: clinical testing. Allele origin: germline.
Comment: In summary, the available evidence is currently insufficient to determine the role of this variant in disease. Therefore, it has been classified as a Variant of Uncertain Significance. Advanced modeling of protein sequence and biophysical properties (such as structural, functional, and spatial information, amino acid conservation, physicochemical variation, residue mobility, and thermodynamic stability) performed at Invitae indicates that this missense variant is not expected to disrupt BRD4 protein function. This variant has not been reported in the literature in individuals affected with BRD4-related conditions. This variant is present in population databases (rs770042423, gnomAD 0.0009%). This sequence change replaces glutamic acid, which is acidic and polar, with lysine, which is basic and polar, at codon 715 of the BRD4 protein (p.Glu715Lys).